The following is an entry in ClinVar:

ClinVar aggregate classification (germline): Pathogenic (1 of 4 stars; one submission).

Conditions:
Hereditary hemorrhagic telangiectasia (HHT). Also called: Osler hemorrhagic telangiectasia syndrome; ORW DISEASE; Osler Weber Rendu syndrome; OSLER-RENDU-WEBER DISEASE. Identifiers: Orphanet 774, MedGen C0039445, MONDO:0019180. Disease mechanism: loss of function.

Submission:

Labcorp Genetics (formerly Invitae), Labcorp
Classification: Pathogenic for Hereditary hemorrhagic telangiectasia. Last evaluated: 2020-09-17. Review status: criteria provided, single submitter. Criteria: Invitae Variant Classification Sherloc (09022015). Collection method: clinical testing. Allele origin: germline.
Comment: This sequence change creates a premature translational stop signal (p.Ile220Profs*113) in the ENG gene. It is expected to result in an absent or disrupted protein product. For these reasons, this variant has been classified as Pathogenic. Loss-of-function variants in ENG are known to be pathogenic (PMID: 15879500). This nonsense change has been observed in individual(s) with hereditary hemorrhagic telangiectasia (PMID: 11343967). This variant is not present in population databases (ExAC no frequency).

Literature cited by the submitters: PubMed 15879500; PubMed 11343967.

NM_001114753.3(ENG):c.654_655del (p.Ile220fs)

Gene: ENG (endoglin; minus strand). Cytogenetic location: 9q34.11.
Variant type: Microsatellite.
Coding change: c.654_655del on transcript NM_001114753.3 (MANE Select); coding-DNA positions 654 to 655, 2 bases deleted (GC; older notation c.654_655delGC).
Protein change: p.Ile220fs; shifts the reading frame from isoleucine 220.
Molecular consequence: frameshift variant.
Genome position (GRCh38, 1-based): chr9:127,825,729-127,825,730, GC deleted on the plus strand (GC on the coding strand, the reverse complement: ENG is on the minus strand); deleting any 2 consecutive bases within chr9:127,825,729-127,825,732 gives the same sequence; the c. name uses the placement nearest the transcript's 3' end. VCF-style (leftmost placement, unchanged base first): chr9-127825728-TGC-T. GRCh37 (hg19) VCF-style: chr9-130588007-TGC-T.
Other names: c.652_653GC[1], p.Ile220Profs (NM_000118.4, NM_001406715.1); c.108_109del, p.Ile38fs (NM_001278138.2); short protein forms I220fs, I38fs.
Identifiers: ClinVar variation 1073414 (VCV001073414.11), dbSNP rs2131889054, ClinGen allele CA2580616315.
Genomic context (GRCh38, chr9:127,825,728, plus strand): 5'-GTGTCAGGGGCGGGGCGAGAGCCATACCCGGCCGAGTGGCCCGGCAGGACCCTCAGGATG[TGC>T]GCCTCCTTGTGGCCGGCCACGCCTTCCAAGTGGCAGCCCCGGACCAAGGCTGGAGTACGC-3'